The following is an entry in ClinVar:

ClinVar aggregate classification (germline): Uncertain significance (1 of 4 stars; one submission).

Conditions:
Cardiovascular phenotype. Identifiers: MedGen CN230736.

Allele frequency attached by ClinVar (database versions not stated): TOPMed below 0.00001; ExAC 0.00001; gnomAD exomes 0.00002.
gnomAD v4.1: 23 of 1,614,100 alleles (0.0014%); highest among the groups gnomAD compares: East Asian, 0.0022%; no homozygotes.

Submission:

Ambry Genetics
Classification: Uncertain significance for Cardiovascular phenotype. Last evaluated: 2022-11-17. Review status: criteria provided, single submitter. Criteria: Ambry Variant Classification Scheme 2023. Collection method: clinical testing. Allele origin: germline.
Comment: The p.N2451S variant (also known as c.7352A>G), located in coding exon 26 of the APOB gene, results from an A to G substitution at nucleotide position 7352. The asparagine at codon 2451 is replaced by serine, an amino acid with highly similar properties. This amino acid position is conserved. In addition, this alteration is predicted to be tolerated by in silico analysis. Since supporting evidence is limited at this time, the clinical significance of this alteration remains unclear.

NM_000384.3(APOB):c.7352A>G (p.Asn2451Ser)

Gene: APOB (apolipoprotein B; minus strand). Cytogenetic location: 2p24.1.
Variant type: single nucleotide variant.
Coding change: c.7352A>G on transcript NM_000384.3 (MANE Select); coding-DNA position 7352, A replaced by G.
Protein change: p.Asn2451Ser; replaces asparagine 2451 with serine.
Molecular consequence: missense variant.
Genome position (GRCh38, 1-based): chr2:21,009,516, T>C on the plus strand (A>G on the coding strand, the complement: APOB is on the minus strand). VCF-style: chr2-21009516-T-C. GRCh37 (hg19) VCF-style: chr2-21232388-T-C.
Other names: short protein forms N2451S.
Identifiers: ClinVar variation 2451287 (VCV002451287.2), dbSNP rs765342867, ClinGen allele CA064334.